The following is an entry in ClinVar:

ClinVar aggregate classification (germline): Uncertain significance (1 of 4 stars; one submission).

Conditions:
X-linked Alport syndrome (ATS1). Also called: COL4A5-Related Nephropathy; NEPHROPATHY AND DEAFNESS, X-LINKED. Identifiers: Orphanet 63, Orphanet 88917, MedGen C4746986, MONDO:0010520, OMIM 301050.

Submission:

MVZ Medizinische Genetik Mainz
Classification: Uncertain significance for X-linked Alport syndrome. Last evaluated: 2023-10-04. Review status: criteria provided, single submitter. Criteria: UK Practice Guidelines For Variant Classification V4 01 2020. Collection method: clinical testing. Allele origin: germline. Inheritance: X-linked dominant inheritance. Affected: yes. Observed: 1 variant allele.
Comment: ACMG Criteria: PM2_SUP,PP3,PP4

NM_033380.3(COL4A5):c.4528+5G>A

Gene: COL4A5 (collagen type IV alpha 5 chain; plus strand). Cytogenetic location: Xq22.3.
Variant type: single nucleotide variant.
Coding change: c.4528+5G>A on transcript NM_033380.3 (MANE Select); 5 bases into the intron after coding-DNA position 4528, G replaced by A.
Molecular consequence: intron variant.
Genome position (GRCh38, 1-based): chrX:108,687,699, G>A. VCF-style: chrX-108687699-G-A. GRCh37 (hg19) VCF-style: chrX-107930929-G-A.
Other names: c.4510+5G>A (NM_000495.5).
Identifiers: ClinVar variation 3066185 (VCV003066185.1), dbSNP rs2524633124, ClinGen allele CA2740097971.
Genomic context (GRCh38, chrX:108,687,699, plus strand): 5'-AGGCTTTTCTCTCCTGTATGTACAAGGAAATAAAAGAGCCCACGGTCAAGACTTGGGTGA[G>A]ATAATCAATATCTAATTTCCTACTGTGCCTTTTGTTTTTGTTTCAGAAATCCTGTTGGGT-3'